The following is an entry in ClinVar:

NM_014795.4(ZEB2):c.1427T>C (p.Met476Thr)

Gene: ZEB2 (zinc finger E-box binding homeobox 2; minus strand). Cytogenetic location: 2q22.3.
Variant type: single nucleotide variant.
Coding change: c.1427T>C on transcript NM_014795.4 (MANE Select); coding-DNA position 1427, T replaced by C.
Protein change: p.Met476Thr; replaces methionine 476 with threonine.
Molecular consequence: missense variant.
Genome position (GRCh38, 1-based): chr2:144,399,760, A>G on the plus strand (T>C on the coding strand, the complement: ZEB2 is on the minus strand). VCF-style: chr2-144399760-A-G. GRCh37 (hg19) VCF-style: chr2-145157327-A-G.
Other names: c.1355T>C, p.Met452Thr (NM_001171653.2); short protein forms M452T, M476T.
Identifiers: ClinVar variation 2850731 (VCV002850731.3), dbSNP rs1342002735, ClinGen allele CA348711873.

ClinVar aggregate classification (germline): Uncertain significance (1 of 4 stars; one submission).

Conditions:
Mowat-Wilson syndrome (MOWS). Also called: Classic Mowat-Wilson Syndrome. Identifiers: Orphanet 2152, MedGen C1856113, MONDO:0009341, OMIM 235730.

Allele frequency attached by ClinVar (database versions not stated): gnomAD exomes below 0.00001.
gnomAD v4.1: 2 of 1,613,854 alleles (0.00012%); highest among the groups gnomAD compares: African/African-American, 0.0013%; no homozygotes.

Submission:

Labcorp Genetics (formerly Invitae), Labcorp
Classification: Uncertain significance for Mowat-Wilson syndrome. Last evaluated: 2024-04-05. Review status: criteria provided, single submitter. Criteria: Invitae Variant Classification Sherloc (09022015). Collection method: clinical testing. Allele origin: germline.
Comment: This sequence change replaces methionine, which is neutral and non-polar, with threonine, which is neutral and polar, at codon 476 of the ZEB2 protein (p.Met476Thr). This variant is present in population databases (no rsID available, gnomAD 0.007%). This variant has not been reported in the literature in individuals affected with ZEB2-related conditions. Advanced modeling of protein sequence and biophysical properties (such as structural, functional, and spatial information, amino acid conservation, physicochemical variation, residue mobility, and thermodynamic stability) performed at Invitae indicates that this missense variant is expected to disrupt ZEB2 protein function with a positive predictive value of 80%. In summary, the available evidence is currently insufficient to determine the role of this variant in disease. Therefore, it has been classified as a Variant of Uncertain Significance.